The following is an entry in ClinVar:

ClinVar aggregate classification (germline): Conflicting classifications of pathogenicity. Review status: criteria provided, conflicting classifications (1 of 4 stars). 3 submissions from 2 submitters: Uncertain significance (2); Likely benign (1). Last evaluated 2018-01-12.

Conditions:
Maturity-onset diabetes of the young type 1. Also called: MODY type 1; Diabetes mellitus MODY type 1; MODY HNF4A related; MILD JUVENILE DIABETES MELLITUS; HNF4A-Related Maturity-Onset Diabetes of the Young Type 1; MODY, type I. Identifiers: Orphanet 552, MedGen C1852093, MONDO:0007452, OMIM 125850. Disease mechanism: loss of function.
Maturity-onset diabetes of the young (MODY). Also called: Maturity onset diabetes mellitus in young. Identifiers: Orphanet 552, MedGen C0342276, MONDO:0018911, HP:0004904.
Familial hyperinsulinism. Also called: Congenital hyperinsulinism. Identifiers: Orphanet 276525, MedGen C3888018, MONDO:0017182. Disease mechanism: loss of function.

Allele frequency attached by ClinVar (database versions not stated): gnomAD exomes 0.00001; TOPMed 0.00002.
gnomAD v4.1: 6 of 584,240 alleles (0.001%); highest among the groups gnomAD compares: South Asian, 0.0021%; no homozygotes.

Submissions (3):

Illumina Laboratory Services, Illumina
Classification: Uncertain significance for Familial hyperinsulinism. Last evaluated: 2018-01-12. Review status: criteria provided, single submitter. Criteria: ICSL Variant Classification Criteria 13 December 2019. Collection method: clinical testing. Allele origin: germline.

Illumina Laboratory Services, Illumina
Classification: Uncertain significance for Maturity-onset diabetes of the young type 1. Last evaluated: 2018-01-12. Review status: criteria provided, single submitter. Criteria: ICSL Variant Classification Criteria 13 December 2019. Collection method: clinical testing. Allele origin: germline.

Clinical Genomics, Uppaluri K&H Personalized Medicine Clinic
Classification: Likely benign for Maturity-onset diabetes of the young. Review status: criteria provided, single submitter. Criteria: K & H Uppaluri Personalized Medicine Clinic Variant Classification & Assertion Criteria_Updated V.1. Collection method: research. Allele origin: unknown. Inheritance: Autosomal dominant inheritance.
Comment: Potent mutations in HNF4A are associated with poor insulin secretion in response to hyperglycemia. Associated with MODY1. Patients initially respond well to sulfonylureas but eventually become insulin dependent. However, more evidence is required to ascertain the role of this particular variant rs1019701119 in MODY, yet.

Literature cited by the submitters: DOI 10.1159/000334532 (cited by Clinical Genomics, Uppaluri K&H Personalized Medicine Clinic); PubMed 18268044 (cited by Clinical Genomics, Uppaluri K&H Personalized Medicine Clinic); PubMed 17563455 (cited by Clinical Genomics, Uppaluri K&H Personalized Medicine Clinic); PubMed 32583173 (cited by Clinical Genomics, Uppaluri K&H Personalized Medicine Clinic); PubMed 35052457 (cited by Clinical Genomics, Uppaluri K&H Personalized Medicine Clinic); PubMed 35118593 (cited by Clinical Genomics, Uppaluri K&H Personalized Medicine Clinic).

NM_175914.5(HNF4A):c.*217C>T

Gene: HNF4A (hepatocyte nuclear factor 4 alpha; plus strand). Cytogenetic location: 20q13.12.
Variant type: single nucleotide variant.
Coding change: c.*217C>T on transcript NM_175914.5 (MANE Select); 217 bases downstream of the stop codon, C replaced by T.
Molecular consequence: 3 prime UTR variant.
Genome position (GRCh38, 1-based): chr20:44,429,882, C>T. VCF-style: chr20-44429882-C-T. GRCh37 (hg19) VCF-style: chr20-43058522-C-T.
Other names: c.*217C>T (NM_000457.6, NM_001030003.3, NM_001258355.2 and 3 more transcripts).
Identifiers: ClinVar variation 896689 (VCV000896689.5), dbSNP rs1019701119, ClinGen allele CA315421110.
Genomic context (GRCh38, chr20:44,429,882, plus strand): 5'-CACATCCCACTGCCACCCTTGACGCCCTGCTCTGGATAACAAGACTTTGACTTGGGGAGA[C>T]CTCTACTGCCTTGGACAACTTTTCTCATGTTGAAGCCACTGCCTTCACCTTCACCTTCAT-3'